The following is an entry in ClinVar:

NM_001846.4(COL4A2):c.3535G>A (p.Gly1179Ser)

Gene: COL4A2 (collagen type IV alpha 2 chain; plus strand). Cytogenetic location: 13q34.
Variant type: single nucleotide variant.
Coding change: c.3535G>A on transcript NM_001846.4 (MANE Select); coding-DNA position 3535, G replaced by A.
Protein change: p.Gly1179Ser; replaces glycine 1179 with serine.
Molecular consequence: missense variant.
Genome position (GRCh38, 1-based): chr13:110,492,150, G>A. VCF-style: chr13-110492150-G-A. GRCh37 (hg19) VCF-style: chr13-111144497-G-A.
Other names: short protein forms G1179S.
Identifiers: ClinVar variation 1362530 (VCV001362530.8), dbSNP rs1206297668, ClinGen allele CA388732488.

ClinVar aggregate classification (germline): Uncertain significance (1 of 4 stars; one submission).

Allele frequency attached by ClinVar (database versions not stated): TOPMed below 0.00001.

Submission:

Labcorp Genetics (formerly Invitae), Labcorp
Classification: Uncertain significance. Last evaluated: 2021-06-19. Review status: criteria provided, single submitter. Criteria: Invitae Variant Classification Sherloc (09022015). Collection method: clinical testing. Allele origin: germline.
Comment: In summary, the available evidence is currently insufficient to determine the role of this variant in disease. Therefore, it has been classified as a Variant of Uncertain Significance. Advanced modeling of protein sequence and biophysical properties (such as structural, functional, and spatial information, amino acid conservation, physicochemical variation, residue mobility, and thermodynamic stability) performed at Invitae indicates that this missense variant is expected to disrupt COL4A2 protein function. This variant has not been reported in the literature in individuals with COL4A2-related conditions. This variant is not present in population databases (ExAC no frequency). This sequence change replaces glycine with serine at codon 1179 of the COL4A2 protein (p.Gly1179Ser). The glycine residue is highly conserved and there is a small physicochemical difference between glycine and serine.